The following is an entry in ClinVar:

ClinVar aggregate classification (germline): Likely benign (0 of 4 stars; one submission).

Conditions:
DLX4-related disorder. Also called: DLX4-related condition.

Allele frequency attached by ClinVar (database versions not stated): gnomAD 0.00006; gnomAD exomes 0.00007; ExAC 0.00009; TOPMed 0.00009.
gnomAD v4.1: 105 of 1,606,950 alleles (0.0065%); highest among the groups gnomAD compares: East Asian, 0.031%; no homozygotes.

Submission:

PreventionGenetics, part of Exact Sciences
Classification: Likely benign for DLX4-related condition. Last evaluated: 2023-03-25. Review status: no assertion criteria provided. Collection method: clinical testing. Allele origin: germline.
Comment: This variant is classified as likely benign based on ACMG/AMP sequence variant interpretation guidelines (Richards et al. 2015 PMID: 25741868, with internal and published modifications).

NM_138281.3(DLX4):c.284-31G>A

Gene: DLX4 (distal-less homeobox 4; plus strand). Cytogenetic location: 17q21.33.
Variant type: single nucleotide variant.
Coding change: c.284-31G>A on transcript NM_138281.3 (MANE Select); 31 bases into the intron before coding-DNA position 284, G replaced by A.
Molecular consequence: intron variant. On other transcripts: missense variant (1).
Genome position (GRCh38, 1-based): chr17:49,973,042, G>A. VCF-style: chr17-49973042-G-A. GRCh37 (hg19) VCF-style: chr17-48050406-G-A.
Other names: c.37G>A, p.Ala13Thr (NM_001934.4); short protein forms A13T.
Identifiers: ClinVar variation 3032189 (VCV003032189.2), dbSNP rs749783136, ClinGen allele CA8640774.
Genomic context (GRCh38, chr17:49,973,042, plus strand): 5'-TGCAGACGAGATGCAAATAAGCTTATGAAACTGTCCGTCCTACCCCCTCGCTCCCTCCTC[G>A]CCCCCTACACCGTGTTGTGCTGCCCACCAGACTCGGAGAAGCCGCGGCTGTCCCCGGAAC-3'